The following is an entry in ClinVar:

ClinVar aggregate classification (germline): Benign/Likely benign. Review status: criteria provided, multiple submitters, no conflicts (2 of 4 stars). 7 submissions from 7 submitters: Benign (3); Likely benign (3). 1 of the submissions does not count toward it. Last evaluated 2026-06-01.

Conditions:
EVC2-related disorder. Also called: EVC2-related condition.
Ellis-van Creveld syndrome (EVC). Also called: Chondroectodermal dysplasia; MESOECTODERMAL DYSPLASIA. Identifiers: Orphanet 289, MedGen C0013903, MONDO:0009162, OMIM 225500.
Curry-Hall syndrome (WAD). Also called: WEYERS ACRODENTAL DYSOSTOSIS. Identifiers: Orphanet 952, MedGen C0457013, MONDO:0008673, OMIM 193530.

Allele frequency attached by ClinVar (database versions not stated): gnomAD 0.00149 and 0.00170; TOPMed 0.00221; ExAC 0.00252; gnomAD exomes 0.00299; 1000 Genomes Project 0.00399; 1000 Genomes Project 30x 0.00422.
gnomAD v4.1: 1,598 of 1,614,086 alleles (0.099%); highest among the groups gnomAD compares: East Asian, 1.1%; 10 homozygotes.

Submissions (7):

CeGaT Center for Human Genetics Tuebingen
Classification: Likely benign. Last evaluated: 2026-06-01. Review status: criteria provided, single submitter. Criteria: CeGaT Center For Human Genetics Tuebingen Variant Classification Criteria Version 2. Collection method: clinical testing. Allele origin: germline. Affected: yes. Observed: 8 variant alleles.
Comment: EVC2: BP4, BP7, BS1

Labcorp Genetics (formerly Invitae), Labcorp
Classification: Benign for Curry-Hall syndrome; Ellis-van Creveld syndrome. Last evaluated: 2026-01-15. Review status: criteria provided, single submitter. Criteria: Invitae Variant Classification Sherloc (09022015). Collection method: clinical testing. Allele origin: germline.

Blueprint Genetics
Classification: Likely benign. Last evaluated: 2024-11-18. Review status: criteria provided, single submitter. Criteria: ACMG Guidelines, 2015. Collection method: clinical testing. Allele origin: germline.

ARUP Laboratories, Molecular Genetics and Genomics, ARUP Laboratories
Classification: Benign. Last evaluated: 2024-07-24. Review status: criteria provided, single submitter. Criteria: ARUP Molecular Germline Variant Investigation Process 2024. Collection method: clinical testing. Allele origin: germline.

GeneDx
Classification: Likely benign. Last evaluated: 2021-01-13. Review status: criteria provided, single submitter. Criteria: GeneDx Variant Classification Process June 2021. Collection method: clinical testing. Allele origin: germline. Affected: yes.

Illumina Laboratory Services, Illumina
Classification: Benign for Ellis-van Creveld syndrome. Last evaluated: 2018-01-13. Review status: criteria provided, single submitter. Criteria: ICSL Variant Classification Criteria 13 December 2019. Collection method: clinical testing. Allele origin: germline.
Comment: This variant was observed in the ICSL laboratory as part of a predisposition screen in an ostensibly healthy population. It had not been previously curated by ICSL or reported in the Human Gene Mutation Database (HGMD: prior to June 1st, 2018), and was therefore a candidate for classification through an automated scoring system. Utilizing variant allele frequency, disease prevalence and penetrance estimates, and inheritance mode, an automated score was calculated to assess if this variant is too frequent to cause the disease. Based on the score and internal cut-off values, a variant classified as benign is not then subjected to further curation. The score for this variant resulted in a classification of benign for this disease.

PreventionGenetics, part of Exact Sciences
Classification: Benign for EVC2-related condition. Last evaluated: 2019-08-01. Review status: no assertion criteria provided. Collection method: clinical testing. Allele origin: germline. Not counted in ClinVar's aggregate classification.
Comment: This variant is classified as benign based on ACMG/AMP sequence variant interpretation guidelines (Richards et al. 2015 PMID: 25741868, with internal and published modifications).

NM_147127.5(EVC2):c.2394G>A (p.Arg798=)

Gene: EVC2 (EvC ciliary complex subunit 2; minus strand). Cytogenetic location: 4p16.2.
Variant type: single nucleotide variant.
Coding change: c.2394G>A on transcript NM_147127.5 (MANE Select); coding-DNA position 2394, G replaced by A.
Protein change: p.Arg798=; no amino-acid change (arginine 798 retained).
Molecular consequence: synonymous variant.
Genome position (GRCh38, 1-based): chr4:5,622,644, C>T on the plus strand (G>A on the coding strand, the complement: EVC2 is on the minus strand). VCF-style: chr4-5622644-C-T. GRCh37 (hg19) VCF-style: chr4-5624371-C-T.
Other names: c.2154G>A, p.Arg718= (NM_001166136.2).
Identifiers: ClinVar variation 349058 (VCV000349058.49), dbSNP rs147173201, ClinGen allele CA2834735.